The following is an entry in ClinVar:

ClinVar aggregate classification (germline): Uncertain significance (1 of 4 stars; one submission).

Conditions:
Lethal multiple pterygium syndrome (LMPS). Identifiers: Orphanet 33108, MedGen C1854678, MONDO:0009668, OMIM 253290.

Allele frequency attached by ClinVar (database versions not stated): gnomAD 0.00001; TOPMed 0.00001; gnomAD exomes 0.00002.
gnomAD v4.1: 27 of 1,614,026 alleles (0.0017%); highest among the groups gnomAD compares: Non-Finnish European, 0.0023%; no homozygotes.

Submission:

Labcorp Genetics (formerly Invitae), Labcorp
Classification: Uncertain significance for Lethal multiple pterygium syndrome. Last evaluated: 2023-04-25. Review status: criteria provided, single submitter. Criteria: Invitae Variant Classification Sherloc (09022015). Collection method: clinical testing. Allele origin: germline.
Comment: In summary, the available evidence is currently insufficient to determine the role of this variant in disease. Therefore, it has been classified as a Variant of Uncertain Significance. Advanced modeling of protein sequence and biophysical properties (such as structural, functional, and spatial information, amino acid conservation, physicochemical variation, residue mobility, and thermodynamic stability) performed at Invitae indicates that this missense variant is not expected to disrupt CHRND protein function. This variant has not been reported in the literature in individuals affected with CHRND-related conditions. This variant is not present in population databases (gnomAD no frequency). This sequence change replaces leucine, which is neutral and non-polar, with phenylalanine, which is neutral and non-polar, at codon 240 of the CHRND protein (p.Leu240Phe).

NM_000751.3(CHRND):c.718C>T (p.Leu240Phe)

Gene: CHRND (cholinergic receptor nicotinic delta subunit; plus strand). Cytogenetic location: 2q37.1.
Variant type: single nucleotide variant.
Coding change: c.718C>T on transcript NM_000751.3 (MANE Select); coding-DNA position 718, C replaced by T.
Protein change: p.Leu240Phe; replaces leucine 240 with phenylalanine.
Molecular consequence: missense variant. On other transcripts: intron variant (1).
Genome position (GRCh38, 1-based): chr2:232,530,037, C>T. VCF-style: chr2-232530037-C-T. GRCh37 (hg19) VCF-style: chr2-233394747-C-T.
Other names: c.673C>T, p.Leu225Phe (NM_001256657.2); c.415C>T, p.Leu139Phe (NM_001311196.2); c.239-1315C>T (NM_001311195.2); short protein forms L139F, L225F, L240F.
Identifiers: ClinVar variation 2721550 (VCV002721550.3), dbSNP rs1249770950, ClinGen allele CA351000866.